The following is an entry in ClinVar:

NM_012401.4(PLXNB2):c.3220G>A (p.Glu1074Lys)

Gene: PLXNB2 (plexin B2; minus strand). Cytogenetic location: 22q13.33.
Variant type: single nucleotide variant.
Coding change: c.3220G>A on transcript NM_012401.4 (MANE Select); coding-DNA position 3220, G replaced by A.
Protein change: p.Glu1074Lys; replaces glutamic acid 1074 with lysine.
Molecular consequence: missense variant.
Genome position (GRCh38, 1-based): chr22:50,281,979, C>T on the plus strand (G>A on the coding strand, the complement: PLXNB2 is on the minus strand). VCF-style: chr22-50281979-C-T. GRCh37 (hg19) VCF-style: chr22-50720408-C-T.
Other names: c.3220G>A, p.Glu1074Lys (NM_001376878.1, NM_001376879.1, NM_001376880.1 and 17 more transcripts); c.3127G>A, p.Glu1043Lys (NM_001376886.1); c.3457G>A, p.Glu1153Lys (NM_001376864.1); c.3289G>A, p.Glu1097Lys (NM_001376865.1); short protein forms E1043K, E1074K, E1097K, E1153K.
Identifiers: ClinVar variation 3777941 (VCV003777941.7).

ClinVar aggregate classification (germline): Likely benign (1 of 4 stars; one submission).

gnomAD v4.1: 1,057 of 1,613,008 alleles (0.066%); highest among the groups gnomAD compares: African/African-American, 1.2%; 8 homozygotes.

Submission:

CeGaT Center for Human Genetics Tuebingen
Classification: Likely benign. Last evaluated: 2026-03-01. Review status: criteria provided, single submitter. Criteria: CeGaT Center For Human Genetics Tuebingen Variant Classification Criteria Version 2. Collection method: clinical testing. Allele origin: germline. Affected: yes. Observed: 2 variant alleles.
Comment: PLXNB2: BS1